The following is an entry in ClinVar:

NM_006767.4(LZTR1):c.1200_1201dup (p.Tyr401fs)

Gene: LZTR1 (leucine zipper like post translational regulator 1; plus strand). Cytogenetic location: 22q11.21.
Variant type: Duplication.
Coding change: c.1200_1201dup on transcript NM_006767.4 (MANE Select); coding-DNA positions 1200 to 1201, 2 bases duplicated (GT; older notation c.1200_1201dupGT).
Protein change: p.Tyr401fs; shifts the reading frame from tyrosine 401.
Molecular consequence: frameshift variant.
Genome position (GRCh38, 1-based): chr22:20,992,844-20,992,845, GT duplicated; duplicating any 2 consecutive bases within chr22:20,992,843-20,992,845 gives the same sequence; the c. name uses the placement nearest the transcript's 3' end. VCF-style (leftmost placement, unchanged base first): chr22-20992842-A-ATG. GRCh37 (hg19) VCF-style: chr22-21347131-A-ATG.
Other names: short protein forms Y401fs.
Identifiers: ClinVar variation 4727432 (VCV004727432.1).
Genomic context (GRCh38, chr22:20,992,842, plus strand): 5'-CTTGTCCCCCAGCTGCCCAGTGGGAGGCTCTTCCACGCGGCTGCTGTCATCTCGGACGCC[A>ATG]TGTACATCTTCGGGGGCACGGTGGACAACAACATCCGCAGCGGGGAGATGTACAGGTTCC-3'

ClinVar aggregate classification (germline): Pathogenic (1 of 4 stars; one submission).

Submission:

Labcorp Genetics (formerly Invitae), Labcorp
Classification: Pathogenic. Last evaluated: 2025-09-19. Review status: criteria provided, single submitter. Criteria: Invitae Variant Classification Sherloc (09022015). Collection method: clinical testing. Allele origin: germline.
Comment: This sequence change creates a premature translational stop signal (p.Tyr401Cysfs*61) in the LZTR1 gene. It is expected to result in an absent or disrupted protein product. Loss-of-function variants in LZTR1 are known to be pathogenic (PMID: 24362817, 25335493, 25480913, 25795793, 29469822, 30368668, 30442762, 30442766, 30481304, 30859559). This variant is not present in population databases (gnomAD no frequency). This variant has not been reported in the literature in individuals affected with LZTR1-related conditions. For these reasons, this variant has been classified as Pathogenic.

Literature cited by the submitters: PubMed 24362817; PubMed 25335493; PubMed 25480913; PubMed 25795793; PubMed 29469822; PubMed 30368668; PubMed 30442762; PubMed 30442766; PubMed 30481304; PubMed 30859559.